The following is an entry in ClinVar:

NM_016653.3(MAP3K20):c.2128T>C (p.Tyr710His)

Genes: MAP3K20 (mitogen-activated protein kinase kinase kinase 20; plus strand), MAP3K20-AS1 (MAP3K20 antisense RNA 1; minus strand). Cytogenetic location: 2q31.1.
Variant type: single nucleotide variant.
Coding change: c.2128T>C on transcript NM_016653.3 (MANE Select); coding-DNA position 2128, T replaced by C.
Protein change: p.Tyr710His; replaces tyrosine 710 with histidine.
Molecular consequence: missense variant.
Genome position (GRCh38, 1-based): chr2:173,266,475, T>C. VCF-style: chr2-173266475-T-C. GRCh37 (hg19) VCF-style: chr2-174131203-T-C.
Other names: short protein forms Y710H.
Identifiers: ClinVar variation 1503623 (VCV001503623.5), dbSNP rs1021950421, ClinGen allele CA60785069.
Genomic context (GRCh38, chr2:173,266,475, plus strand): 5'-TCTTCTCCTAGAGGAAGATACAGTGGAAAGAGTCAGCATTCCACTCCTTCAAGAGGAAGA[T>C]ACCCTGGAAAGTTCTACAGGGTTTCTCAGTCAGCACTCAATCCTCACCAGTCGCCTGACT-3'
Protein context (NP_057737.2, residues 700-720): SQHSTPSRGR[Tyr710His]PGKFYRVSQS

ClinVar aggregate classification (germline): Uncertain significance (1 of 4 stars; one submission).

Allele frequency attached by ClinVar (database versions not stated): TOPMed 0.00002.

Submission:

Labcorp Genetics (formerly Invitae), Labcorp
Classification: Uncertain significance. Last evaluated: 2024-11-15. Review status: criteria provided, single submitter. Criteria: Invitae Variant Classification Sherloc (09022015). Collection method: clinical testing. Allele origin: germline.
Comment: This sequence change replaces tyrosine with histidine at codon 710 of the MAP3K20 protein (p.Tyr710His). The tyrosine residue is highly conserved and there is a moderate physicochemical difference between tyrosine and histidine. This variant is not present in population databases (gnomAD no frequency). This variant has not been reported in the literature in individuals affected with MAP3K20-related conditions. ClinVar contains an entry for this variant (Variation ID: 1503623). Invitae Evidence Modeling of protein sequence and biophysical properties (such as structural, functional, and spatial information, amino acid conservation, physicochemical variation, residue mobility, and thermodynamic stability) indicates that this missense variant is not expected to disrupt MAP3K20 protein function with a negative predictive value of 95%. In summary, the available evidence is currently insufficient to determine the role of this variant in disease. Therefore, it has been classified as a Variant of Uncertain Significance.